The following is an entry in ClinVar:

NM_001009944.3(PKD1):c.3643C>G (p.Leu1215Val)

Gene: PKD1 (polycystin 1, transient receptor potential channel interacting; minus strand). Cytogenetic location: 16p13.3.
Variant type: single nucleotide variant.
Coding change: c.3643C>G on transcript NM_001009944.3 (MANE Select); coding-DNA position 3643, C replaced by G.
Protein change: p.Leu1215Val; replaces leucine 1215 with valine.
Molecular consequence: missense variant.
Genome position (GRCh38, 1-based): chr16:2,111,524, G>C on the plus strand (C>G on the coding strand, the complement: PKD1 is on the minus strand). VCF-style: chr16-2111524-G-C. GRCh37 (hg19) VCF-style: chr16-2161525-G-C.
Other names: c.3643C>G, p.Leu1215Val (NM_000296.4); c.3643C>G (NM_001009944.2); short protein forms L1215V.
Identifiers: ClinVar variation 1255658 (VCV001255658.6), dbSNP rs144338515, ClinGen allele CA7832689.

ClinVar aggregate classification (germline): Uncertain significance. Review status: criteria provided, multiple submitters, no conflicts (2 of 4 stars). 4 submissions from 4 submitters: Uncertain significance (3). 1 of the submissions does not count toward it. Last evaluated 2026-03-11.

Conditions:
PKD1-related disorder. Also called: PKD1-related condition.
Autosomal dominant polycystic kidney disease. Identifiers: Orphanet 730, MedGen C0085413, MONDO:0004691.
Polycystic kidney disease, adult type (PKD1). Also called: Polycystic Kidney, Autosomal Dominant; Polycystic Kidney Disease 1, Autosomal Dominant; Polycystic kidney disease 1; Polycystic kidney disease 1, severe; POLYCYSTIC KIDNEY DISEASE, ADULT, TYPE I; POLYCYSTIC KIDNEY DISEASE 1 WITH OR WITHOUT POLYCYSTIC LIVER DISEASE. Identifiers: MedGen C3149841, MONDO:0008263, OMIM 173900.

Allele frequency attached by ClinVar (database versions not stated): gnomAD 0.00001; TOPMed 0.00001; gnomAD exomes 0.00003; ExAC 0.00007; ESP Exome Variant Server 0.00008.
gnomAD v4.1: 40 of 1,607,374 alleles (0.0025%); highest among the groups gnomAD compares: Non-Finnish European, 0.0031%; no homozygotes.

Submissions (4):

PreventionGenetics, part of Exact Sciences
Classification: Uncertain significance for PKD1-related condition. Last evaluated: 2026-03-11. Review status: criteria provided, single submitter. Criteria: ACMG Guidelines, 2015. Collection method: clinical testing. Allele origin: germline.
Comment: The PKD1 c.3643C>G variant is predicted to result in the amino acid substitution p.Leu1215Val. This variant is reported in 0.0078% of alleles in individuals of European (Non-Finnish) descent in gnomAD. Although we suspect this variant may be benign, at this time, the clinical significance of this variant is uncertain due to the absence of conclusive functional and genetic evidence.

Victorian Clinical Genetics Services, Murdoch Childrens Research Institute
Classification: Uncertain significance for Polycystic kidney disease, adult type. Last evaluated: 2022-09-02. Review status: criteria provided, single submitter. Criteria: ACMG Guidelines, 2015. Collection method: clinical testing. Allele origin: germline. Inheritance: Autosomal dominant inheritance. Affected: yes.
Comment: Based on the classification scheme VCGS_Germline_v1.3.4, this variant is classified as VUS-3B. Following criteria are met: 0102 - Loss of function is a known mechanism of disease in this gene and is associated with polycystic kidney disease 1 (MIM#173900). (I) 0107 - This gene is associated with autosomal dominant disease. Polycystic kidney disease 1 (MIM#173900) is predominantly caused by monoallelic variants, with rare reports of biallelic variants causing disease (OMIM). (I) 0200 - Variant is predicted to result in a missense amino acid change from leucine to valine. (I) 0251 - This variant is heterozygous. (I) 0302 - Variant is present in gnomAD <0.001 for a dominant condition (v2: 8 heterozygotes, 0 homozygotes). (SP) 0502 - Missense variant with conflicting in silico predictions and uninformative conservation. (I) 0600 - Variant is located in the annotated PKD repeat (DECIPHER). (I) 0705 - No comparable missense variants have previous evidence for pathogenicity. (I) 0809 - Previous evidence of pathogenicity for this variant is inconclusive. It was identified in an individual with ADPKD, who had a causative frameshift variant in PKD1 (PMID: 28378423). (I) 0905 - No published segregation evidence has been identified for this variant. (I) 1007 - No published functional evidence has been identified for this variant. (I) 1208 - Inheritance information for this variant is not currently available in this individual. (I) Legend: (SP) - Supporting pathogenic, (I) - Information, (SB) - Supporting benign

Blueprint Genetics
Classification: Uncertain significance. Last evaluated: 2022-07-04. Review status: criteria provided, single submitter. Criteria: ACMG Guidelines, 2015. Collection method: clinical testing. Allele origin: germline.

Laboratory of Gastroenterology and Hepatology, Radboud University Medical Center
Classification: Likely pathogenic for Autosomal dominant polycystic kidney disease. Last evaluated: 2021-09-01. Review status: no assertion criteria provided. Collection method: research. Allele origin: germline. Affected: yes. Not counted in ClinVar's aggregate classification.

Literature cited by the submitters: PubMed 28378423 (cited by Victorian Clinical Genetics Services, Murdoch Childrens Research Institute).